The following is an entry in ClinVar:

NC_000007.13:g.(?_75677479)_(75684336_?)del

Gene: MDH2 (malate dehydrogenase 2; plus strand). Cytogenetic location: 7q11.23.
Variant type: Deletion.
Identifiers: ClinVar variation 2425445 (VCV002425445.4).

ClinVar aggregate classification (germline): Uncertain significance (1 of 4 stars; one submission).

Submission:

Labcorp Genetics (formerly Invitae), Labcorp
Classification: Uncertain significance. Last evaluated: 2022-07-06. Review status: criteria provided, single submitter. Criteria: Invitae Variant Classification Sherloc (09022015). Collection method: clinical testing. Allele origin: germline.
Comment: In summary, the available evidence is currently insufficient to determine the role of this variant in disease. Therefore, it has been classified as a Variant of Uncertain Significance. This variant has not been reported in the literature in individuals affected with MDH2-related conditions. This variant is a gross deletion of the genomic region encompassing exon(s) 1-2 of the MDH2 gene, which includes the initiator codon. This deletion extends beyond the assayed region for this gene and therefore may encompass additional genes. It is expected to result in an absent or disrupted protein product. However, the current clinical and genetic evidence is not sufficient to establish whether loss-of-function variants in MDH2 cause disease.